The following is an entry in ClinVar:

NM_014002.4(IKBKE):c.745G>A (p.Ala249Thr)

Gene: IKBKE (inhibitor of nuclear factor kappa B kinase subunit epsilon; plus strand). Cytogenetic location: 1q32.1.
Variant type: single nucleotide variant.
Coding change: c.745G>A on transcript NM_014002.4 (MANE Select); coding-DNA position 745, G replaced by A.
Protein change: p.Ala249Thr; replaces alanine 249 with threonine.
Molecular consequence: missense variant.
Genome position (GRCh38, 1-based): chr1:206,477,792, G>A. VCF-style: chr1-206477792-G-A. GRCh37 (hg19) VCF-style: chr1-206651135-G-A.
Other names: c.490G>A, p.Ala164Thr (NM_001193321.2); c.745G>A, p.Ala249Thr (NM_001193322.2); short protein forms A164T, A249T.
Identifiers: ClinVar variation 2639860 (VCV002639860.24), dbSNP rs1553385810, ClinGen allele CA344467312.

ClinVar aggregate classification (germline): Likely benign (1 of 4 stars; one submission).

Allele frequency attached by ClinVar (database versions not stated): gnomAD exomes below 0.00001; gnomAD 0.00001.

Submission:

CeGaT Center for Human Genetics Tuebingen
Classification: Likely benign. Last evaluated: 2022-09-01. Review status: criteria provided, single submitter. Criteria: CeGaT Center For Human Genetics Tuebingen Variant Classification Criteria Version 2. Collection method: clinical testing. Allele origin: germline. Affected: yes. Observed: 1 variant allele.
Comment: IKBKE: BP4